The following is an entry in ClinVar:

NM_001388492.1(HTT):c.1195G>A (p.Gly399Arg)

Gene: HTT (huntingtin; plus strand). Cytogenetic location: 4p16.3.
Variant type: single nucleotide variant.
Coding change: c.1195G>A on transcript NM_001388492.1 (MANE Select); coding-DNA position 1195, G replaced by A.
Protein change: p.Gly399Arg; replaces glycine 399 with arginine.
Molecular consequence: missense variant.
Genome position (GRCh38, 1-based): chr4:3,121,354, G>A. VCF-style: chr4-3121354-G-A. GRCh37 (hg19) VCF-style: chr4-3123081-G-A.
Other names: c.1201G>A, p.Gly401Arg (NM_002111.8); short protein forms G399R, G401R.
Identifiers: ClinVar variation 1399420 (VCV001399420.6), dbSNP rs1243261057, ClinGen allele CA356070773.

ClinVar aggregate classification (germline): Uncertain significance (1 of 4 stars; one submission).

Allele frequency attached by ClinVar (database versions not stated): gnomAD exomes below 0.00001; TOPMed 0.00001.

Submission:

Labcorp Genetics (formerly Invitae), Labcorp
Classification: Uncertain significance. Last evaluated: 2022-08-16. Review status: criteria provided, single submitter. Criteria: Invitae Variant Classification Sherloc (09022015). Collection method: clinical testing. Allele origin: germline.
Comment: In summary, the available evidence is currently insufficient to determine the role of this variant in disease. Therefore, it has been classified as a Variant of Uncertain Significance. Experimental studies and prediction algorithms are not available or were not evaluated, and the functional significance of this variant is currently unknown. ClinVar contains an entry for this variant (Variation ID: 1399420). This variant has not been reported in the literature in individuals affected with HTT-related conditions. This variant is not present in population databases (gnomAD no frequency). This sequence change replaces glycine, which is neutral and non-polar, with arginine, which is basic and polar, at codon 401 of the HTT protein (p.Gly401Arg).